The following is an entry in ClinVar:

NM_005634.3(SOX3):c.*5C>T

Gene: SOX3 (SRY-box transcription factor 3; minus strand). Cytogenetic location: Xq27.1.
Variant type: single nucleotide variant.
Coding change: c.*5C>T on transcript NM_005634.3 (MANE Select); 5 bases downstream of the stop codon, C replaced by T.
Molecular consequence: 3 prime UTR variant.
Genome position (GRCh38, 1-based): chrX:140,503,715, G>A on the plus strand (C>T on the coding strand, the complement: SOX3 is on the minus strand). VCF-style: chrX-140503715-G-A. GRCh37 (hg19) VCF-style: chrX-139585880-G-A.
Identifiers: ClinVar variation 3054816 (VCV003054816.2), dbSNP rs755021946, ClinGen allele CA10531572.

ClinVar aggregate classification (germline): Likely benign (0 of 4 stars; one submission).

Conditions:
SOX3-related disorder. Also called: SOX3-related condition; SOX3-Related Disorders.

Allele frequency attached by ClinVar (database versions not stated): ExAC 0.00007.
gnomAD v4.1: 36 of 1,171,164 alleles (0.0031%); highest among the groups gnomAD compares: Admixed American, 0.0047%; no homozygotes.

Submission:

PreventionGenetics, part of Exact Sciences
Classification: Likely benign for SOX3-related condition. Last evaluated: 2022-01-18. Review status: no assertion criteria provided. Collection method: clinical testing. Allele origin: germline.
Comment: This variant is classified as likely benign based on ACMG/AMP sequence variant interpretation guidelines (Richards et al. 2015 PMID: 25741868, with internal and published modifications).